The following is an entry in ClinVar:

ClinVar aggregate classification (germline): Uncertain significance (1 of 4 stars; one submission).

Conditions:
Metaphyseal chondrodysplasia, Schmid type (MCDS). Also called: SPONDYLOMETAPHYSEAL DYSPLASIA, JAPANESE TYPE. Identifiers: Orphanet 174, MedGen C0265289, MONDO:0007983, OMIM 156500.

Allele frequency attached by ClinVar (database versions not stated): gnomAD exomes below 0.00001.
gnomAD v4.1: 3 of 1,614,068 alleles (0.00019%); highest among the groups gnomAD compares: South Asian, 0.0011%; no homozygotes.

Submission:

Victorian Clinical Genetics Services, Murdoch Childrens Research Institute
Classification: Uncertain significance for Metaphyseal chondrodysplasia, Schmid type. Last evaluated: 2022-07-20. Review status: criteria provided, single submitter. Criteria: ACMG Guidelines, 2015. Collection method: clinical testing. Allele origin: germline. Inheritance: Autosomal dominant inheritance.
Comment: Based on the classification scheme VCGS_Germline_v1.1.1, this variant is classified as 3B-VUS. Following criteria are met: 0102 - Loss-of-function is a known mechanism of disease for this gene. Both haploinsufficiency and dominant-negative mechanisms have been suggested to cause disease (OMIM, PMID: 15880705, PMID: 31633898). (N) 0107 - This gene is known to be associated with autosomal dominant disease. (N) 0200 - Variant is predicted to result in a missense amino acid change from glycine to arginine (exon 3). (N) 0251 - Variant is heterozygous. (N) 0301 - Variant is absent from gnomAD. (P) 0309 - An alternative amino acid change at the same position has been observed in gnomAD (1 heterozygote, 0 homozygotes). (N) 0501 - Missense variant consistently predicted to be damaging by multiple in silico tools or highly conserved with a major amino acid change. (P) 0601 - Variant affects at least one well-established (essential) functional domain or motif (Gly-X-Y of the collagen triple helix repeat; NCBI). (P) 0705 - No comparable variants have previous evidence for pathogenicity. (N) 0807 - Variant has not previously been reported in a clinical context. (N) 0905 - No segregation evidence has been identified for this variant. (N) 1007 - No published functional evidence has been identified for this variant. (P) Legend: (P) - Pathogenic, (N) - Neutral, (B) - Benign

Literature cited by the submitters: PubMed 15880705; PubMed 31633898.

NM_000493.4(COL10A1):c.1093G>A (p.Gly365Arg)

Genes: COL10A1 (collagen type X alpha 1 chain; minus strand), NT5DC1 (5'-nucleotidase domain containing 1; plus strand). Cytogenetic location: 6q22.1.
Variant type: single nucleotide variant.
Coding change: c.1093G>A on transcript NM_000493.4 (MANE Select); coding-DNA position 1093, G replaced by A.
Protein change: p.Gly365Arg; replaces glycine 365 with arginine.
Molecular consequence: missense variant. On other transcripts: intron variant (1).
Genome position (GRCh38, 1-based): chr6:116,121,023, C>T on the plus strand (G>A on the coding strand, the complement: COL10A1 is on the minus strand). VCF-style: chr6-116121023-C-T. GRCh37 (hg19) VCF-style: chr6-116442186-C-T.
Other names: c.1093G>A, p.Gly365Arg (NM_001424106.1, NM_001424107.1); c.529+3078C>T (NM_152729.3); short protein forms G365R.
Identifiers: ClinVar variation 3254600 (VCV003254600.1), dbSNP rs2534088330.
Genomic context (GRCh38, chr6:116,121,023, plus strand): 5'-CTGACCCAGGGGAACCCCTTTCACCCTTAGCCCCAGGGTATCCTGCAGGCCCAGCTGGCC[C>T]TGTCTCACCTTTAGGGCCTGGGAGACCATGGCTACCCGGGATGCCTTTTGGTCCTTGGGG-3'
Protein context (NP_000484.2, residues 355-375): HGLPGPKGET[Gly365Arg]PAGPAGYPGA